The following is an entry in ClinVar:

NM_001003787.4(STRADA):c.156del (p.Phe53fs)

Gene: STRADA (STE20 related adaptor alpha; minus strand). Cytogenetic location: 17q23.3.
Variant type: Deletion.
Coding change: c.156del on transcript NM_001003787.4 (MANE Select); coding-DNA position 156, one base deleted (C; older notation c.156delC).
Protein change: p.Phe53fs; shifts the reading frame from phenylalanine 53.
Molecular consequence: frameshift variant. On other transcripts: 5 prime UTR variant (3), non-coding transcript variant (1), intron variant (1).
Genome position (GRCh38, 1-based): chr17:63,714,076, G deleted on the plus strand (C on the coding strand, the reverse complement: STRADA is on the minus strand); the first of 2 consecutive G bases (chr17:63,714,076-63,714,077); deleting either gives the same sequence. VCF-style (leftmost placement, unchanged base first): chr17-63714075-AG-A. GRCh37 (hg19) VCF-style: chr17-61791435-AG-A.
Other names: c.45del, p.Phe16fs (NM_001003786.3, NM_001363789.1, NM_153335.6); c.-19del (NM_001003788.3, NM_001363790.1, NM_001363791.1); c.69del, p.Phe24fs (NM_001165969.2, NM_001363787.1, NM_001411084.1); c.132del, p.Phe45fs (NM_001363786.1); c.156del, p.Phe53fs (NM_001363788.1, NM_001411083.1, NM_001411085.1); c.95-549del (NM_001165970.2); short protein forms F16fs, F45fs, F53fs, F24fs.
Identifiers: ClinVar variation 2704723 (VCV002704723.3), dbSNP rs2511132510, ClinGen allele CA2697555096.

ClinVar aggregate classification (germline): Pathogenic (1 of 4 stars; one submission).

Conditions:
Polyhydramnios, megalencephaly, and symptomatic epilepsy (PMSE). Also called: PMSE SYNDROME. Identifiers: Orphanet 500533, MedGen C1970203, MONDO:0012611, OMIM 611087.

Submission:

Labcorp Genetics (formerly Invitae), Labcorp
Classification: Pathogenic for Polyhydramnios, megalencephaly, and symptomatic epilepsy. Last evaluated: 2023-12-21. Review status: criteria provided, single submitter. Criteria: Invitae Variant Classification Sherloc (09022015). Collection method: clinical testing. Allele origin: germline.
Comment: This sequence change creates a premature translational stop signal (p.Phe53Serfs*7) in the STRADA gene. It is expected to result in an absent or disrupted protein product. Loss-of-function variants in STRADA are known to be pathogenic (PMID: 17522105, 27170158). This variant is not present in population databases (gnomAD no frequency). This variant has not been reported in the literature in individuals affected with STRADA-related conditions. For these reasons, this variant has been classified as Pathogenic.

Literature cited by the submitters: PubMed 17522105; PubMed 27170158.